The following is an entry in ClinVar:

ClinVar aggregate classification (germline): Uncertain significance (1 of 4 stars; one submission).

Allele frequency attached by ClinVar (database versions not stated): ExAC 0.00004.
gnomAD v4.1: 30 of 1,613,744 alleles (0.0019%); highest among the groups gnomAD compares: Middle Eastern, 0.016%; no homozygotes.

Submission:

Labcorp Genetics (formerly Invitae), Labcorp
Classification: Uncertain significance. Last evaluated: 2025-08-18. Review status: criteria provided, single submitter. Criteria: Invitae Variant Classification Sherloc (09022015). Collection method: clinical testing. Allele origin: germline.
Comment: This sequence change replaces glutamic acid, which is acidic and polar, with lysine, which is basic and polar, at codon 223 of the YME1L1 protein (p.Glu223Lys). This variant is present in population databases (rs759573757, gnomAD 0.01%). This variant has not been reported in the literature in individuals affected with YME1L1-related conditions. ClinVar contains an entry for this variant (Variation ID: 2909515). An algorithm developed to predict the effect of missense changes on protein structure and function (PolyPhen-2) suggests that this variant is likely to be tolerated. In summary, the available evidence is currently insufficient to determine the role of this variant in disease. Therefore, it has been classified as a Variant of Uncertain Significance.

NM_014263.4(YME1L1):c.496G>A (p.Glu166Lys)

Gene: YME1L1 (YME1 like 1 ATPase; minus strand). Cytogenetic location: 10p12.1.
Variant type: single nucleotide variant.
Coding change: c.496G>A on transcript NM_014263.4 (MANE Select); coding-DNA position 496, G replaced by A.
Protein change: p.Glu166Lys; replaces glutamic acid 166 with lysine.
Molecular consequence: missense variant.
Genome position (GRCh38, 1-based): chr10:27,136,320, C>T on the plus strand (G>A on the coding strand, the complement: YME1L1 is on the minus strand). VCF-style: chr10-27136320-C-T. GRCh37 (hg19) VCF-style: chr10-27425249-C-T.
Other names: c.397G>A, p.Glu133Lys (NM_001253866.2); c.667G>A, p.Glu223Lys (NM_139312.3); short protein forms E166K, E223K, E133K.
Identifiers: ClinVar variation 2909515 (VCV002909515.3), dbSNP rs759573757, ClinGen allele CA5449584.
Genomic context (GRCh38, chr10:27,136,320, plus strand): 5'-AAAAAGGTCTAATTACCTTCACGAATGATGGCGCTATATTCTGTGTTTCAGCTAATCTCT[C>T]GGAGGTAGACTGGAGACGTCGTGTCCTTGATTTCAAAGTTTTAAAACCCCGAGACTGTAT-3'
Protein context (NP_055078.1, residues 156-176): SRTRRLQSTS[Glu166Lys]RLAETQNIAP